The following is an entry in ClinVar:

NM_004035.7(ACOX1):c.1936-19C>T

Gene: ACOX1 (acyl-CoA oxidase 1; minus strand). Cytogenetic location: 17q25.1.
Variant type: single nucleotide variant.
Coding change: c.1936-19C>T on transcript NM_004035.7 (MANE Select); 19 bases into the intron before coding-DNA position 1936, C replaced by T.
Molecular consequence: intron variant.
Genome position (GRCh38, 1-based): chr17:75,946,814, G>A on the plus strand (C>T on the coding strand, the complement: ACOX1 is on the minus strand). VCF-style: chr17-75946814-G-A. GRCh37 (hg19) VCF-style: chr17-73942895-G-A.
Other names: c.1936-19C>T (NM_007292.6); c.1822-19C>T (NM_001185039.2).
Identifiers: ClinVar variation 4875408 (VCV004875408.2).

ClinVar aggregate classification (germline): Likely benign (1 of 4 stars; one submission).

Submission:

CeGaT Center for Human Genetics Tuebingen
Classification: Likely benign. Last evaluated: 2026-06-01. Review status: criteria provided, single submitter. Criteria: CeGaT Center For Human Genetics Tuebingen Variant Classification Criteria Version 2. Collection method: clinical testing. Allele origin: germline. Affected: yes. Observed: 1 variant allele.
Comment: ACOX1: PM2:Supporting, BP4, BP7